The following is an entry in ClinVar:

ClinVar aggregate classification (germline): Likely pathogenic (1 of 4 stars; one submission).

Conditions:
Charlevoix-Saguenay spastic ataxia (SACS). Also called: SPASTIC ATAXIA 6, AUTOSOMAL RECESSIVE; AUTOSOMAL RECESSIVE SPASTIC ATAXIA OF CHARLEVOIX-SAGUENAY; Spastic ataxia of Charlevoix-Saguenay. Identifiers: Orphanet 98, MedGen C1849140, MONDO:0010041, OMIM 270550.

Submission:

Women's Health and Genetics/Laboratory Corporation of America, LabCorp
Classification: Likely pathogenic for Charlevoix-Saguenay spastic ataxia. Last evaluated: 2021-10-25. Review status: criteria provided, single submitter. Criteria: LabCorp Variant Classification Summary - May 2015. Collection method: clinical testing. Allele origin: germline.
Comment: Variant summary: SACS c.9653T>G (p.Leu3218X) results in a premature termination codon, predicted to cause a truncation of the encoded protein or absence of the protein due to nonsense mediated decay, which are commonly known mechanisms for disease. Truncations downstream of this position have been classified as pathogenic by our laboratory. The variant was absent in 250548 control chromosomes (gnomAD). To our knowledge, no occurrence of c.9653T>G in individuals affected with Autosomal Recessive Spastic Ataxia Of Charlevoix-Saguenay and no experimental evidence demonstrating its impact on protein function have been reported. No clinical diagnostic laboratories have submitted clinical-significance assessments for this variant to ClinVar after 2014. Based on the evidence outlined above, the variant was classified as likely pathogenic.

NM_014363.6(SACS):c.9653T>G (p.Leu3218Ter)

Gene: SACS (sacsin molecular chaperone; minus strand). Cytogenetic location: 13q12.12.
Variant type: single nucleotide variant.
Coding change: c.9653T>G on transcript NM_014363.6 (MANE Select); coding-DNA position 9653, T replaced by G.
Protein change: p.Leu3218Ter; replaces leucine 3218 with a stop codon.
Molecular consequence: nonsense.
Genome position (GRCh38, 1-based): chr13:23,334,223, A>C on the plus strand (T>G on the coding strand, the complement: SACS is on the minus strand). VCF-style: chr13-23334223-A-C. GRCh37 (hg19) VCF-style: chr13-23908362-A-C.
Other names: c.9212T>G, p.Leu3071Ter (NM_001278055.2); short protein forms L3071*, L3218*.
Identifiers: ClinVar variation 1321426 (VCV001321426.1), dbSNP rs2137582138, ClinGen allele CA387513952.